The following is an entry in ClinVar:

ClinVar aggregate classification (germline): Uncertain significance. Review status: criteria provided, multiple submitters, no conflicts (2 of 4 stars). 2 submissions from 2 submitters: Uncertain significance (2). Last evaluated 2026-05-01.

Allele frequency attached by ClinVar (database versions not stated): ExAC 0.00003.
gnomAD v4.1: 69 of 1,614,012 alleles (0.0043%); highest among the groups gnomAD compares: Middle Eastern, 0.016%; no homozygotes.

Submissions (2):

CeGaT Center for Human Genetics Tuebingen
Classification: Uncertain significance. Last evaluated: 2026-05-01. Review status: criteria provided, single submitter. Criteria: CeGaT Center For Human Genetics Tuebingen Variant Classification Criteria Version 2. Collection method: clinical testing. Allele origin: germline. Affected: yes. Observed: 1 variant allele.
Comment: SPTBN2: PM2, BP4

Labcorp Genetics (formerly Invitae), Labcorp
Classification: Uncertain significance. Last evaluated: 2022-12-02. Review status: criteria provided, single submitter. Criteria: Invitae Variant Classification Sherloc (09022015). Collection method: clinical testing. Allele origin: germline.
Comment: In summary, the available evidence is currently insufficient to determine the role of this variant in disease. Therefore, it has been classified as a Variant of Uncertain Significance. Advanced modeling of protein sequence and biophysical properties (such as structural, functional, and spatial information, amino acid conservation, physicochemical variation, residue mobility, and thermodynamic stability) performed at Invitae indicates that this missense variant is not expected to disrupt SPTBN2 protein function. This variant has not been reported in the literature in individuals affected with SPTBN2-related conditions. This variant is present in population databases (rs747833695, gnomAD 0.004%). This sequence change replaces proline, which is neutral and non-polar, with alanine, which is neutral and non-polar, at codon 2131 of the SPTBN2 protein (p.Pro2131Ala).

NM_006946.4(SPTBN2):c.6391C>G (p.Pro2131Ala)

Gene: SPTBN2 (spectrin beta, non-erythrocytic 2; minus strand). Cytogenetic location: 11q13.2.
Variant type: single nucleotide variant.
Coding change: c.6391C>G on transcript NM_006946.4 (MANE Select); coding-DNA position 6391, C replaced by G.
Protein change: p.Pro2131Ala; replaces proline 2131 with alanine.
Molecular consequence: missense variant.
Genome position (GRCh38, 1-based): chr11:66,688,063, G>C on the plus strand (C>G on the coding strand, the complement: SPTBN2 is on the minus strand). VCF-style: chr11-66688063-G-C. GRCh37 (hg19) VCF-style: chr11-66455534-G-C.
Other names: c.6412C>G, p.Pro2138Ala (NM_001411025.1); short protein forms P2131A, P2138A.
Identifiers: ClinVar variation 2190743 (VCV002190743.6), dbSNP rs747833695, ClinGen allele CA6127944.
Genomic context (GRCh38, chr11:66,688,063, plus strand): 5'-CCTGTGAGGGCTCTCCATCTGTGCAGACTCCATTAACACTGGGTGCTTGTGTGGATGGTG[G>C]TGGCCGTGGCTGGGTTCTGGGATGACCAAAGGCAACACAGAATCATTAGTCCCTGGGTGG-3'
Protein context (NP_008877.2, residues 2121-2141): TTWDGTQPRP[Pro2131Ala]PSTQAPSVNG